The following is an entry in ClinVar:

NM_017841.4(SDHAF2):c.284A>G (p.Gln95Arg)

Gene: SDHAF2 (succinate dehydrogenase complex assembly factor 2; plus strand). Cytogenetic location: 11q12.2.
Variant type: single nucleotide variant.
Coding change: c.284A>G on transcript NM_017841.4 (MANE Select); coding-DNA position 284, A replaced by G.
Protein change: p.Gln95Arg; replaces glutamine 95 with arginine.
Molecular consequence: missense variant.
Genome position (GRCh38, 1-based): chr11:61,438,027, A>G. VCF-style: chr11-61438027-A-G. GRCh37 (hg19) VCF-style: chr11-61205499-A-G.
Other names: short protein forms Q95R.
Identifiers: ClinVar variation 4161230 (VCV004161230.3).

ClinVar aggregate classification (germline): Uncertain significance. Review status: criteria provided, multiple submitters, no conflicts (2 of 4 stars). 2 submissions from 2 submitters: Uncertain significance (2). Last evaluated 2026-06-09.

Conditions:
Hereditary pheochromocytoma and paraganglioma. Also called: Hereditary Paraganglioma-Pheochromocytoma Syndromes; Hereditary paragangliomas and pheochromocytomas; Hereditary pheochromocytoma-paraganglioma. Identifiers: Orphanet 29072, MedGen C4274332, MONDO:0017366.
Hereditary cancer-predisposing syndrome. Also called: Neoplastic Syndromes, Hereditary; Tumor predisposition; Hereditary Cancer Syndrome; Hereditary neoplastic syndrome. Identifiers: Orphanet 140162, MedGen C0027672, MeSH D009386, MONDO:0015356.

gnomAD v4.1: 2 of 1,614,024 alleles (0.00012%); no homozygotes.

Submissions (2):

Ambry Genetics
Classification: Uncertain significance for Hereditary cancer-predisposing syndrome. Last evaluated: 2026-06-09. Review status: criteria provided, single submitter. Criteria: Ambry Variant Classification Scheme 2023. Collection method: clinical testing. Allele origin: germline.
Comment: The p.Q95R variant (also known as c.284A>G), located in coding exon 3 of the SDHAF2 gene, results from an A to G substitution at nucleotide position 284. The glutamine at codon 95 is replaced by arginine, an amino acid with highly similar properties. This amino acid position is conserved. In addition, this alteration is predicted to be tolerated by in silico analysis. Based on the available evidence, the clinical significance of this variant remains unclear.

Labcorp Genetics (formerly Invitae), Labcorp
Classification: Uncertain significance for Hereditary pheochromocytoma and paraganglioma. Last evaluated: 2025-05-26. Review status: criteria provided, single submitter. Criteria: Invitae Variant Classification Sherloc (09022015). Collection method: clinical testing. Allele origin: germline.
Comment: This sequence change replaces glutamine, which is neutral and polar, with arginine, which is basic and polar, at codon 95 of the SDHAF2 protein (p.Gln95Arg). This variant is present in population databases (no rsID available, gnomAD 0.004%). This variant has not been reported in the literature in individuals affected with SDHAF2-related conditions. An algorithm developed to predict the effect of missense changes on protein structure and function (PolyPhen-2) suggests that this variant is likely to be tolerated. In summary, the available evidence is currently insufficient to determine the role of this variant in disease. Therefore, it has been classified as a Variant of Uncertain Significance.